The following is an entry in ClinVar:

NM_004415.4(DSP):c.778-263A>T

Gene: DSP (desmoplakin; plus strand). Cytogenetic location: 6p24.3.
Variant type: single nucleotide variant.
Coding change: c.778-263A>T on transcript NM_004415.4 (MANE Select); 263 bases into the intron before coding-DNA position 778, A replaced by T.
Molecular consequence: intron variant.
Genome position (GRCh38, 1-based): chr6:7,565,096, A>T. VCF-style: chr6-7565096-A-T. GRCh37 (hg19) VCF-style: chr6-7565329-A-T.
Other names: c.778-263A>T (NM_001319034.2, NM_001008844.3).
Identifiers: ClinVar variation 672809 (VCV000672809.1), dbSNP rs185791717, ClinGen allele CA133954524.
Genomic context (GRCh38, chr6:7,565,096, plus strand): 5'-CGGGAAGCTGAGGCAGGAGAATCGCTTAAACCCGGGAGGGGGAGGTTGCAGTGAACCGAG[A>T]TCGCTCATGCCACTGCACTCCAGCCTGGGAGACGAGAGCGACAGTCCGTCTCAAAAAAAA-3'

ClinVar aggregate classification (germline): Likely benign (1 of 4 stars; one submission).

Allele frequency attached by ClinVar (database versions not stated): 1000 Genomes Project 0.00319; gnomAD 0.00333 and 0.00360; 1000 Genomes Project 30x 0.00344; TOPMed 0.00352.
gnomAD v4.1: 501 of 152,170 alleles (0.33%); highest among the groups gnomAD compares: African/African-American, 1.2%; 4 homozygotes.

Submission:

GeneDx
Classification: Likely benign. Last evaluated: 2018-06-14. Review status: criteria provided, single submitter. Criteria: GeneDx Variant Classification (06012015). Collection method: clinical testing. Allele origin: germline. Affected: yes.
Comment: This variant is considered likely benign or benign based on one or more of the following criteria: it is a conservative change, it occurs at a poorly conserved position in the protein, it is predicted to be benign by multiple in silico algorithms, and/or has population frequency not consistent with disease.